The following is an entry in ClinVar:

NM_015450.3(POT1):c.461G>A (p.Cys154Tyr)

Gene: POT1 (protection of telomeres 1; minus strand). Cytogenetic location: 7q31.33.
Variant type: single nucleotide variant.
Coding change: c.461G>A on transcript NM_015450.3 (MANE Select); coding-DNA position 461, G replaced by A.
Protein change: p.Cys154Tyr; replaces cysteine 154 with tyrosine.
Molecular consequence: missense variant. On other transcripts: non-coding transcript variant (3).
Genome position (GRCh38, 1-based): chr7:124,863,435, C>T on the plus strand (G>A on the coding strand, the complement: POT1 is on the minus strand). VCF-style: chr7-124863435-C-T. GRCh37 (hg19) VCF-style: chr7-124503489-C-T.
Other names: c.68G>A, p.Cys23Tyr (NM_001042594.2); short protein forms C154Y, C23Y.
Identifiers: ClinVar variation 1741952 (VCV001741952.3), dbSNP rs2485479962, ClinGen allele CA369059128.

ClinVar aggregate classification (germline): Uncertain significance. Review status: criteria provided, multiple submitters, no conflicts (2 of 4 stars). 2 submissions from 2 submitters: Uncertain significance (2). Last evaluated 2023-10-05.

Conditions:
Hereditary cancer-predisposing syndrome. Also called: Hereditary Cancer Syndrome; Hereditary neoplastic syndrome; Neoplastic Syndromes, Hereditary; Tumor predisposition. Identifiers: Orphanet 140162, MedGen C0027672, MeSH D009386, MONDO:0015356.

Submissions (2):

GeneDx
Classification: Uncertain significance. Last evaluated: 2023-10-05. Review status: criteria provided, single submitter. Criteria: GeneDx Variant Classification Process June 2021. Collection method: clinical testing. Allele origin: germline. Affected: yes.
Comment: Not observed at significant frequency in large population cohorts (gnomAD); In silico analysis supports that this missense variant does not alter protein structure/function; Has not been previously published as pathogenic or benign to our knowledge

Ambry Genetics
Classification: Uncertain significance for Hereditary cancer-predisposing syndrome. Last evaluated: 2022-09-21. Review status: criteria provided, single submitter. Criteria: Ambry Variant Classification Scheme 2023. Collection method: clinical testing. Allele origin: germline.
Comment: The p.C154Y variant (also known as c.461G>A), located in coding exon 4 of the POT1 gene, results from a G to A substitution at nucleotide position 461. The cysteine at codon 154 is replaced by tyrosine, an amino acid with highly dissimilar properties. This amino acid position is conserved. In addition, this alteration is predicted to be tolerated by in silico analysis. Since supporting evidence is limited at this time, the clinical significance of this alteration remains unclear.